The following is an entry in ClinVar:

ClinVar aggregate classification (germline): Pathogenic. Review status: criteria provided, multiple submitters, no conflicts (2 of 4 stars). 3 submissions from 3 submitters: Pathogenic (3). Last evaluated 2025-10-13.

Conditions:
Hereditary cancer-predisposing syndrome. Also called: Neoplastic Syndromes, Hereditary; Tumor predisposition; Hereditary Cancer Syndrome; Hereditary neoplastic syndrome. Identifiers: Orphanet 140162, MedGen C0027672, MeSH D009386, MONDO:0015356.
Hereditary breast ovarian cancer syndrome. Also called: Hereditary breast and ovarian cancer; Hereditary breast and/or ovarian cancer syndrome; BRCA1- and BRCA2-Associated Hereditary Breast and Ovarian Cancer; Hereditary breast and ovarian cancer syndrome (HBOC); Hereditary breast and ovarian cancer syndrome; Breast and ovarian cancer. Identifiers: Orphanet 145, MedGen C0677776, MeSH D061325, MONDO:0003582. Disease mechanism: loss of function.

Submissions (3):

Labcorp Genetics (formerly Invitae), Labcorp
Classification: Pathogenic for Hereditary breast ovarian cancer syndrome. Last evaluated: 2025-10-13. Review status: criteria provided, single submitter. Criteria: Invitae Variant Classification Sherloc (09022015). Collection method: clinical testing. Allele origin: germline.
Comment: This sequence change creates a premature translational stop signal (p.Asn3174delinsLys*) in the BRCA2 gene. It is expected to result in an absent or disrupted protein product. Loss-of-function variants in BRCA2 are known to be pathogenic (PMID: 20104584). Information on the frequency of this variant in the gnomAD database is not available, as this variant may be reported differently in the database. This variant has not been reported in the literature in individuals affected with BRCA2-related conditions. ClinVar contains an entry for this variant (Variation ID: 186429). For these reasons, this variant has been classified as Pathogenic.

Ambry Genetics
Classification: Pathogenic for Hereditary cancer-predisposing syndrome. Last evaluated: 2024-10-21. Review status: criteria provided, single submitter. Criteria: Ambry Variant Classification Scheme 2023. Collection method: clinical testing. Allele origin: germline.
Comment: The c.9522_9523delTGinsAT pathogenic mutation, located in coding exon 25 of the BRCA2 gene, results from an in-frame deletion of TG and insertion of AT at nucleotide positions 9522 to 9523. This change results in a termination codon at amino acid position 3175 within coding exon 10 (p.N3174_E3175delinsK*). This variant is considered to be rare based on population cohorts in the Genome Aggregation Database (gnomAD). This alteration is expected to result in loss of function by premature protein truncation or nonsense-mediatedmRNAdecay.As such, this alteration is interpreted as a disease-causing mutation.

Quest Diagnostics Nichols Institute San Juan Capistrano
Classification: Pathogenic. Last evaluated: 2017-12-07. Review status: criteria provided, single submitter. Criteria: Quest Diagnostics criteria. Collection method: clinical testing. Allele origin: germline.

Literature cited by the submitters: PubMed 20104584 (cited by Labcorp Genetics (formerly Invitae), Labcorp).

NM_000059.4(BRCA2):c.9522_9523delinsAT (p.Asn3174_Glu3175delinsLysTer)

Gene: BRCA2 (BRCA2 DNA repair associated; plus strand). Cytogenetic location: 13q13.1.
Variant type: Indel.
Coding change: c.9522_9523delinsAT on transcript NM_000059.4 (MANE Select); coding-DNA positions 9522 to 9523, TG replaced by AT.
Protein change: p.Asn3174_Glu3175delinsLysTer.
Molecular consequence: nonsense.
Genome position (GRCh38, 1-based): chr13:32,396,918-32,396,919, TG replaced by AT. VCF-style: chr13-32396918-TG-AT. GRCh37 (hg19) VCF-style: chr13-32971055-TG-AT.
Other names: c.9522_9523delTGinsAT (NM_000059.3).
Identifiers: ClinVar variation 186429 (VCV000186429.8), dbSNP rs786202945, ClinGen allele CA026197.
Genomic context (GRCh38, chr13:32,396,918, plus strand): 5'-TTTGCAATTTATAAAGCAGCTTTTCCACTTATTTTCTTAGAATATTGACATACTTTGCAA[TG>AT]AAGCAGAAAACAAGCTTATGCATATACTGCATGCAAATGATCCCAAGTGGTCCACCCCAA-3'